The following is an entry in ClinVar:

ClinVar aggregate classification (germline): Uncertain significance (1 of 4 stars; one submission).

Conditions:
Inborn genetic diseases. Identifiers: MedGen C0950123, MeSH D030342.

Submission:

Ambry Genetics
Classification: Uncertain significance for Inborn genetic diseases. Last evaluated: 2026-03-23. Review status: criteria provided, single submitter. Criteria: Ambry Variant Classification Scheme 2023. Collection method: clinical testing. Allele origin: germline.
Comment: The p.W133C variant (also known as c.399G>C), located in coding exon 3 of the USB1 gene, results from a G to C substitution at nucleotide position 399. The tryptophan at codon 133 is replaced by cysteine, an amino acid with highly dissimilar properties. This amino acid position is conserved. In addition, this alteration is predicted to be deleterious by in silico analysis. Based on the available evidence, the clinical significance of this variant remains unclear.

NM_024598.4(USB1):c.399G>C (p.Trp133Cys)

Gene: USB1 (U6 snRNA biogenesis phosphodiesterase 1; plus strand). Cytogenetic location: 16q21.
Variant type: single nucleotide variant.
Coding change: c.399G>C on transcript NM_024598.4 (MANE Select); coding-DNA position 399, G replaced by C.
Protein change: p.Trp133Cys; replaces tryptophan 133 with cysteine.
Molecular consequence: missense variant.
Genome position (GRCh38, 1-based): chr16:58,010,062, G>C. VCF-style: chr16-58010062-G-C. GRCh37 (hg19) VCF-style: chr16-58043966-G-C.
Other names: c.399G>C, p.Trp133Cys (NM_001195302.2, NM_001204911.2, NM_001330569.2); c.246G>C, p.Trp82Cys (NM_001330568.2); short protein forms W133C, W82C.
Identifiers: ClinVar variation 4866344 (VCV004866344.1).
Genomic context (GRCh38, chr16:58,010,062, plus strand): 5'-GGTAAGGATGAAGGTGTTCCACCTCAGCCTGTCCCAGAGTGTGGTTCTGCGCCACCACTG[G>C]ATCCTCCCCTTCGTGCAGGCTCTGAAAGCCCGTATGACCTCCTTCCACAGGTGAGTGCTT-3'
Protein context (NP_078874.2, residues 123-143): LSQSVVLRHH[Trp133Cys]ILPFVQALKA